The following is an entry in ClinVar:

ClinVar aggregate classification (germline): Uncertain significance. Review status: criteria provided, multiple submitters, no conflicts (2 of 4 stars). 2 submissions from 2 submitters: Uncertain significance (2). Last evaluated 2025-06-07.

Conditions:
Insulin-dependent diabetes mellitus secretory diarrhea syndrome (IPEX). Also called: Immune dysregulation-polyendocrinopathy-enteropathy-X-linked syndrome; Immunodysregulation, polyendocrinopathy, and enteropathy, X-linked; IPEX and IPEX-Like; DIABETES MELLITUS, CONGENITAL INSULIN-DEPENDENT, WITH FATAL SECRETORY DIARRHEA; DIARRHEA, POLYENDOCRINOPATHY, FATAL INFECTION SYNDROME, X-LINKED; ENTEROPATHY, AUTOIMMUNE, WITH HEMOLYTIC ANEMIA AND POLYENDOCRINOPATHY. Identifiers: Orphanet 37042, MedGen C0342288, MONDO:0010580, OMIM 304790. Disease mechanism: loss of function.
Inborn genetic diseases. Identifiers: MedGen C0950123, MeSH D030342.

Allele frequency attached by ClinVar (database versions not stated): gnomAD exomes 0.00001; gnomAD 0.00002; TOPMed 0.00003.
gnomAD v4.1: 9 of 1,210,353 alleles (0.00074%); highest among the groups gnomAD compares: Non-Finnish European, 0.00089%; no homozygotes.

Submissions (2):

Ambry Genetics
Classification: Uncertain significance for Inborn genetic diseases. Last evaluated: 2025-06-07. Review status: criteria provided, single submitter. Criteria: Ambry Variant Classification Scheme 2023. Collection method: clinical testing. Allele origin: germline.

Labcorp Genetics (formerly Invitae), Labcorp
Classification: Uncertain significance for Insulin-dependent diabetes mellitus secretory diarrhea syndrome. Last evaluated: 2025-05-17. Review status: criteria provided, single submitter. Criteria: Invitae Variant Classification Sherloc (09022015). Collection method: clinical testing. Allele origin: germline.
Comment: This sequence change replaces serine, which is neutral and polar, with asparagine, which is neutral and polar, at codon 175 of the FOXP3 protein (p.Ser175Asn). The frequency data for this variant in the population databases is considered unreliable, as metrics indicate poor data quality at this position in the gnomAD database. This variant has not been reported in the literature in individuals affected with FOXP3-related conditions. ClinVar contains an entry for this variant (Variation ID: 2965112). Invitae Evidence Modeling of protein sequence and biophysical properties (such as structural, functional, and spatial information, amino acid conservation, physicochemical variation, residue mobility, and thermodynamic stability) indicates that this missense variant is not expected to disrupt FOXP3 protein function with a negative predictive value of 80%. In summary, the available evidence is currently insufficient to determine the role of this variant in disease. Therefore, it has been classified as a Variant of Uncertain Significance.

NM_014009.4(FOXP3):c.524G>A (p.Ser175Asn)

Gene: FOXP3 (forkhead box P3; minus strand). Cytogenetic location: Xp11.23.
Variant type: single nucleotide variant.
Coding change: c.524G>A on transcript NM_014009.4 (MANE Select); coding-DNA position 524, G replaced by A.
Protein change: p.Ser175Asn; replaces serine 175 with asparagine.
Molecular consequence: missense variant.
Genome position (GRCh38, 1-based): chrX:49,256,943, C>T on the plus strand (G>A on the coding strand, the complement: FOXP3 is on the minus strand). VCF-style: chrX-49256943-C-T. GRCh37 (hg19) VCF-style: chrX-49113400-C-T.
Other names: c.419G>A, p.Ser140Asn (NM_001114377.2); short protein forms S175N, S140N.
Identifiers: ClinVar variation 2965112 (VCV002965112.4), dbSNP rs1258307921, ClinGen allele CA412952396.